The following is an entry in ClinVar:

NM_003072.5(SMARCA4):c.1283C>A (p.Thr428Lys)

Gene: SMARCA4 (SWI/SNF related BAF chromatin remodeling complex subunit ATPase 4; plus strand). Cytogenetic location: 19p13.2.
Variant type: single nucleotide variant.
Coding change: c.1283C>A on transcript NM_003072.5 (MANE Select); coding-DNA position 1283, C replaced by A.
Protein change: p.Thr428Lys; replaces threonine 428 with lysine.
Molecular consequence: missense variant. On other transcripts: non-coding transcript variant (1).
Genome position (GRCh38, 1-based): chr19:10,991,187, C>A. VCF-style: chr19-10991187-C-A. GRCh37 (hg19) VCF-style: chr19-11101863-C-A.
Other names: c.1283C>A, p.Thr428Lys (NM_001128844.3, NM_001128845.2, NM_001128846.2 and 4 more transcripts); short protein forms T428K.
Identifiers: ClinVar variation 840164 (VCV000840164.9), dbSNP rs2086528346, ClinGen allele CA404060594.
Genomic context (GRCh38, chr19:10,991,187, plus strand): 5'-GCTTGTCCTCTTCCCTCCTACAGCTGCGCCAGGAGGTGGTGGTGTGCATGCGGAGGGACA[C>A]AGCGCTGGAGACAGCCCTCAATGCTAAGGCCTACAAGCGCAGCAAGCGCCAGTCCCTGCG-3'
Protein context (NP_003063.2, residues 418-438): QEVVVCMRRD[Thr428Lys]ALETALNAKA

ClinVar aggregate classification (germline): Uncertain significance (1 of 4 stars; one submission).

Conditions:
Rhabdoid tumor predisposition syndrome 2 (RTPS2). Identifiers: Orphanet 231108, Orphanet 69077, MedGen C2750074, MONDO:0013224, OMIM 613325.

Submission:

Labcorp Genetics (formerly Invitae), Labcorp
Classification: Uncertain significance for Rhabdoid tumor predisposition syndrome 2. Last evaluated: 2019-03-06. Review status: criteria provided, single submitter. Criteria: Invitae Variant Classification Sherloc (09022015). Collection method: clinical testing. Allele origin: germline.
Comment: Algorithms developed to predict the effect of missense changes on protein structure and function are either unavailable or do not agree on the potential impact of this missense change (SIFT: "Deleterious"; PolyPhen-2: "Probably Damaging"; Align-GVGD: "Class C0"). This variant has not been reported in the literature in individuals with SMARCA4-related conditions. This variant is not present in population databases (ExAC no frequency). This sequence change replaces threonine with lysine at codon 428 of the SMARCA4 protein (p.Thr428Lys). The threonine residue is highly conserved and there is a moderate physicochemical difference between threonine and lysine. In summary, the available evidence is currently insufficient to determine the role of this variant in disease. Therefore, it has been classified as a Variant of Uncertain Significance.